The following is an entry in ClinVar:

NM_000350.3(ABCA4):c.1983G>A (p.Leu661=)

Gene: ABCA4 (ATP binding cassette subfamily A member 4; minus strand). Cytogenetic location: 1p22.1.
Variant type: single nucleotide variant.
Coding change: c.1983G>A on transcript NM_000350.3 (MANE Select); coding-DNA position 1983, G replaced by A.
Protein change: p.Leu661=; no amino-acid change (leucine 661 retained).
Molecular consequence: synonymous variant.
Genome position (GRCh38, 1-based): chr1:94,060,714, C>T on the plus strand (G>A on the coding strand, the complement: ABCA4 is on the minus strand). VCF-style: chr1-94060714-C-T. GRCh37 (hg19) VCF-style: chr1-94526270-C-T.
Other names: c.1983G>A, p.Leu661= (NM_001425324.1).
Identifiers: ClinVar variation 1489282 (VCV001489282.8), dbSNP rs373643636, ClinGen allele CA418821623.
Genomic context (GRCh38, chr1:94,060,714, plus strand): 5'-TCGCAACTCCTTCTCCAAGACGATGCTCTTCACAGTCATGGAGACAGAGTAGATCCATGC[C>T]AGCACCATGAAGATAGGGAAACAGCGGTTCAGGATGATCATGAAACTAAAGCAAAAGGAG-3'
Protein context (NP_000341.2, residues 651-671): LNRCFPIFMV[Leu661=]AWIYSVSMTV

ClinVar aggregate classification (germline): Uncertain significance (1 of 4 stars; one submission).

Submission:

Labcorp Genetics (formerly Invitae), Labcorp
Classification: Uncertain significance. Last evaluated: 2020-12-21. Review status: criteria provided, single submitter. Criteria: Invitae Variant Classification Sherloc (09022015). Collection method: clinical testing. Allele origin: germline.
Comment: In summary, the available evidence is currently insufficient to determine the role of this variant in disease. Therefore, it has been classified as a Variant of Uncertain Significance. Algorithms developed to predict the effect of sequence changes on RNA splicing suggest that this variant may create or strengthen a splice site, but this prediction has not been confirmed by published transcriptional studies. This variant has not been reported in the literature in individuals with ABCA4-related conditions. This variant is not present in population databases (ExAC no frequency). This sequence change affects codon 661 of the ABCA4 mRNA. It is a 'silent' change, meaning that it does not change the encoded amino acid sequence of the ABCA4 protein.